The following is an entry in ClinVar:

ClinVar aggregate classification (germline): Uncertain significance (1 of 4 stars; one submission).

Submission:

Labcorp Genetics (formerly Invitae), Labcorp
Classification: Uncertain significance. Last evaluated: 2026-01-24. Review status: criteria provided, single submitter. Criteria: Invitae Variant Classification Sherloc (09022015). Collection method: clinical testing. Allele origin: germline.
Comment: This sequence change replaces threonine, which is neutral and polar, with isoleucine, which is neutral and non-polar, at codon 1848 of the FN1 protein (p.Thr1848Ile). This variant is not present in population databases (gnomAD no frequency). This variant has not been reported in the literature in individuals affected with FN1-related conditions. An algorithm developed to predict the effect of missense changes on protein structure and function (PolyPhen-2) suggests that this variant is likely to be disruptive. In summary, the available evidence is currently insufficient to determine the role of this variant in disease. Therefore, it has been classified as a Variant of Uncertain Significance.

NM_212482.4(FN1):c.5543C>T (p.Thr1848Ile)

Gene: FN1 (fibronectin 1; minus strand). Cytogenetic location: 2q35.
Variant type: single nucleotide variant.
Coding change: c.5543C>T on transcript NM_212482.4 (MANE Select); coding-DNA position 5543, C replaced by T.
Protein change: p.Thr1848Ile; replaces threonine 1848 with isoleucine.
Molecular consequence: missense variant.
Genome position (GRCh38, 1-based): chr2:215,379,209, G>A on the plus strand (C>T on the coding strand, the complement: FN1 is on the minus strand). VCF-style: chr2-215379209-G-A. GRCh37 (hg19) VCF-style: chr2-216243932-G-A.
Other names: c.5543C>T, p.Thr1848Ile (NM_001306129.2); c.5273C>T, p.Thr1758Ile (NM_001306130.2, NM_001365517.2, NM_001365519.2 and 2 more transcripts); c.5000C>T, p.Thr1667Ile (NM_001306131.2, NM_001306132.2, NM_001365523.2 and 2 more transcripts); c.5270C>T, p.Thr1757Ile (NM_001365518.2, NM_001365520.2, NM_001365524.2 and 2 more transcripts); short protein forms T1757I, T1758I, T1848I, T1667I.
Identifiers: ClinVar variation 4780835 (VCV004780835.1).